The following is an entry in ClinVar:

ClinVar aggregate classification (germline): Likely pathogenic (1 of 4 stars; one submission).

Conditions:
Familial intrahepatic cholestasis. Identifiers: Orphanet 284385, MedGen CN296401, MONDO:0017290.

Submission:

Genomenon, Inc
Classification: Likely pathogenic for Familial intrahepatic cholestasis. Last evaluated: 2026-04-14. Review status: criteria provided, single submitter. Criteria: Genomenon Sequence Variant Interpretation Standards - Updated. Collection method: curation. Allele origin: germline. Affected: yes.
Comment: ABCB4 p.Arg549Cys (c.1645C>T) is a missense variant that changes the amino acid at residue 549 from Arginine to Cysteine. This variant has been observed in at least one proband with an ABCB4-related disorder (PMID:36550572;31000363;29304564). The variant was found to segregate with disease in at least one affected family (PMID:36550572;29304564). It is absent or not present at a significant frequency in gnomAD. In silico models predict that this variant is possibly or probably damaging. In conclusion, we classify ABCB4 p.Arg549Cys (c.1645C>T) as a likely pathogenic variant.

Literature cited by the submitters: PubMed 36550572; PubMed 31000363; PubMed 29304564.

NM_000443.4(ABCB4):c.1645C>T (p.Arg549Cys)

Gene: ABCB4 (ATP binding cassette subfamily B member 4; minus strand). Cytogenetic location: 7q21.12.
Variant type: single nucleotide variant.
Coding change: c.1645C>T on transcript NM_000443.4 (MANE Select); coding-DNA position 1645, C replaced by T.
Protein change: p.Arg549Cys; replaces arginine 549 with cysteine.
Molecular consequence: missense variant.
Genome position (GRCh38, 1-based): chr7:87,439,753, G>A on the plus strand (C>T on the coding strand, the complement: ABCB4 is on the minus strand). VCF-style: chr7-87439753-G-A. GRCh37 (hg19) VCF-style: chr7-87069069-G-A.
Other names: c.1645C>T, p.Arg549Cys (NM_018849.3, NM_018850.3); short protein forms R549C.
Identifiers: ClinVar variation 4846607 (VCV004846607.1).